The following is an entry in ClinVar:

ClinVar aggregate classification (germline): Uncertain significance (1 of 4 stars; one submission).

Conditions:
Rafiq syndrome (RAFQS). Identifiers: Orphanet 88616, MedGen C3280127, MONDO:0013624, OMIM 614202.

Submission:

Labcorp Genetics (formerly Invitae), Labcorp
Classification: Uncertain significance for Rafiq syndrome. Last evaluated: 2022-08-16. Review status: criteria provided, single submitter. Criteria: Invitae Variant Classification Sherloc (09022015). Collection method: clinical testing. Allele origin: germline.
Comment: This variant results in a copy number gain of the genomic region encompassing exon(s) 9-13 of the MAN1B1 gene. This region includes the termination codon of the gene. This copy number gain extends beyond the assayed region for this gene and therefore may encompass additional genes. As the precise location of this event is unknown, it may be in tandem or it may be located elsewhere in the genome. This variant has not been reported in the literature in individuals affected with MAN1B1-related conditions. In summary, the available evidence is currently insufficient to determine the role of this variant in disease. Therefore, it has been classified as a Variant of Uncertain Significance.

NC_000009.11:g.(?_140000557)_(140003043_?)dup

Gene: MAN1B1 (mannosidase alpha class 1B member 1; plus strand). Cytogenetic location: 9q34.3.
Variant type: Duplication.
Identifiers: ClinVar variation 2426284 (VCV002426284.2).